The following is an entry in ClinVar:

NM_001553.3(IGFBP7):c.684del (p.Glu228_Val229insTer)

Gene: IGFBP7 (insulin like growth factor binding protein 7; minus strand). Cytogenetic location: 4q12.
Variant type: Deletion.
Coding change: c.684del on transcript NM_001553.3 (MANE Select); coding-DNA position 684, one base deleted (A; older notation c.684delA).
Protein change: p.Glu228_Val229insTer.
Molecular consequence: frameshift variant.
Genome position (GRCh38, 1-based): chr4:57,033,213, T deleted on the plus strand (A on the coding strand, the reverse complement: IGFBP7 is on the minus strand); the first of 2 consecutive T bases (chr4:57,033,213-57,033,214); deleting either gives the same sequence. VCF-style (leftmost placement, unchanged base first): chr4-57033212-CT-C. GRCh37 (hg19) VCF-style: chr4-57899378-CT-C.
Other names: c.684del, p.Glu228_Val229insTer (NM_001253835.2).
Identifiers: ClinVar variation 4852721 (VCV004852721.2), dbSNP rs752517096.
Genomic context (GRCh38, chr4:57,033,212, plus strand): 5'-GCTAAGAATGAAACTCTTGCCAGCTCTTGGTACTGGTACTCACCAGCACCCAGCCAGTTA[CT>C]TCATGCTTTTCTGGGCCACCCCGGGTCTGAATGGCCAGGTTGTCCCGGTCACCAGGCAGG-3'

ClinVar aggregate classification (germline): Uncertain significance (1 of 4 stars; one submission).

Submission:

Dasa
Classification: Uncertain significance. Last evaluated: 2026-03-19. Review status: criteria provided, single submitter. Criteria: DASA Assertion Criteria. Collection method: clinical testing. Allele origin: germline.
Comment: NM_001553.3(IGFBP7):c.684del (p.Val229*) is a nonsense variant in IGFBP7 predicted to introduce a premature termination codon. This variant is rare in population databases. The currently available literature and clinical evidence are not sufficient to establish a definitive association between this variant and the reported condition. Therefore, this variant is classified as a variant of uncertain significance.